The following is an entry in ClinVar:

NM_006218.4(PIK3CA):c.2485C>T (p.Leu829Phe)

Gene: PIK3CA (phosphatidylinositol-4,5-bisphosphate 3-kinase catalytic subunit alpha; plus strand). Cytogenetic location: 3q26.32.
Variant type: single nucleotide variant.
Coding change: c.2485C>T on transcript NM_006218.4 (MANE Select); coding-DNA position 2485, C replaced by T.
Protein change: p.Leu829Phe; replaces leucine 829 with phenylalanine.
Molecular consequence: missense variant.
Genome position (GRCh38, 1-based): chr3:179,226,030, C>T. VCF-style: chr3-179226030-C-T. GRCh37 (hg19) VCF-style: chr3-178943818-C-T.
Other names: short protein forms L829F.
Identifiers: ClinVar variation 2453445 (VCV002453445.2), dbSNP rs199926184, ClinGen allele CA355274726.

ClinVar aggregate classification (germline): Uncertain significance (1 of 4 stars; one submission).

Conditions:
Inborn genetic diseases. Identifiers: MedGen C0950123, MeSH D030342.

Submission:

Ambry Genetics
Classification: Uncertain significance for Inborn genetic diseases. Last evaluated: 2022-12-18. Review status: criteria provided, single submitter. Criteria: Ambry Variant Classification Scheme 2023. Collection method: clinical testing. Allele origin: germline.
Comment: The p.L829F variant (also known as c.2485C>T), located in coding exon 16 of the PIK3CA gene, results from a C to T substitution at nucleotide position 2485. The leucine at codon 829 is replaced by phenylalanine, an amino acid with highly similar properties. This amino acid position is conserved. In addition, this alteration is predicted to be deleterious by in silico analysis. Since supporting evidence is limited at this time, the clinical significance of this alteration remains unclear.